The following is an entry in ClinVar:

ClinVar aggregate classification (germline): Uncertain significance (1 of 4 stars; one submission).

Submission:

GeneDx
Classification: Uncertain significance. Last evaluated: 2017-07-25. Review status: criteria provided, single submitter. Criteria: GeneDx Variant Classification (06012015). Collection method: clinical testing. Allele origin: germline. Affected: yes.
Comment: The H634P variant in the ABCC9 gene has not been reported previously as a pathogenic variant, nor as a benign variant, to our knowledge. This variant is not observed in large population cohorts (Lek et al., 2016; 1000 Genomes Consortium et al., 2015; Exome Variant Server). The H634P variant is a non-conservative amino acid substitution, which is likely to impact secondary protein structure as these residues differ in polarity, charge, size and/or other properties. This substitution occurs at a position that is conserved across species. In silico analysis is inconsistent in its predictions as to whether or not the variant is damaging to the protein structure/function. We interpret H634Pas a variant of uncertain significance.

NM_020297.4(ABCC9):c.1901A>C (p.His634Pro)

Gene: ABCC9 (ATP binding cassette subfamily C member 9; minus strand). Cytogenetic location: 12p12.1.
Variant type: single nucleotide variant.
Coding change: c.1901A>C on transcript NM_020297.4 (MANE Select); coding-DNA position 1901, A replaced by C.
Protein change: p.His634Pro; replaces histidine 634 with proline.
Molecular consequence: missense variant.
Genome position (GRCh38, 1-based): chr12:21,887,836, T>G on the plus strand (A>C on the coding strand, the complement: ABCC9 is on the minus strand). VCF-style: chr12-21887836-T-G. GRCh37 (hg19) VCF-style: chr12-22040770-T-G.
Other names: c.1901A>C, p.His634Pro (NM_001377273.1, NM_005691.4); c.1037A>C, p.His346Pro (NM_001377274.1); short protein forms H634P, H346P.
Identifiers: ClinVar variation 450552 (VCV000450552.2), dbSNP rs1555103438, ClinGen allele CA384135771.